The following is an entry in ClinVar:

NM_021096.4(CACNA1I):c.3704A>C (p.Tyr1235Ser)

Gene: CACNA1I (calcium voltage-gated channel subunit alpha1 I; plus strand). Cytogenetic location: 22q13.1.
Variant type: single nucleotide variant.
Coding change: c.3704A>C on transcript NM_021096.4 (MANE Select); coding-DNA position 3704, A replaced by C.
Protein change: p.Tyr1235Ser; replaces tyrosine 1235 with serine.
Molecular consequence: missense variant.
Genome position (GRCh38, 1-based): chr22:39,664,776, A>C. VCF-style: chr22-39664776-A-C. GRCh37 (hg19) VCF-style: chr22-40060781-A-C.
Other names: c.3599A>C, p.Tyr1200Ser (NM_001003406.2); short protein forms Y1200S, Y1235S.
Identifiers: ClinVar variation 3899315 (VCV003899315.1).
Genomic context (GRCh38, chr22:39,664,776, plus strand): 5'-CCCCGGCCCCACCCCCGCCCCAGGTAGTCTCGCTGGGCCTGTACTTCGGCGAGCAGGCGT[A>C]CCTACGCAGCAGCTGGAACGTGCTGGATGGCTTTCTTGTCTTCGTGTCCATCATCGACAT-3'
Protein context (NP_066919.2, residues 1225-1245): SLGLYFGEQA[Tyr1235Ser]LRSSWNVLDG

ClinVar aggregate classification (germline): Likely pathogenic (1 of 4 stars; one submission).

Conditions:
Neurodevelopmental disorder with speech impairment and with or without seizures. Also called: Neurodevelopmental disorder with variable intellectual disability and speech impairment, with or without seizures. Identifiers: MedGen C5774252, MONDO:0859313, OMIM 620114.

Submission:

Department of Human Genetics, Hannover Medical School
Classification: Likely pathogenic for Neurodevelopmental disorder with speech impairment and with or without seizures. Last evaluated: 2025-05-19. Review status: criteria provided, single submitter. Criteria: ACMG Guidelines, 2015. Collection method: clinical testing. Allele origin: germline. Affected: yes.
Comment: ACMG: PM2_Supporting, PP3_Strong, PP2